The following is an entry in ClinVar:

NM_004793.4(LONP1):c.316G>C (p.Gly106Arg)

Genes: LONP1 (lon peptidase 1, mitochondrial; minus strand), LOC130063270 (ATAC-STARR-seq lymphoblastoid silent region 9931; plus strand). Cytogenetic location: 19p13.3.
Variant type: single nucleotide variant.
Coding change: c.316G>C on transcript NM_004793.4 (MANE Select); coding-DNA position 316, G replaced by C.
Protein change: p.Gly106Arg; replaces glycine 106 with arginine.
Molecular consequence: missense variant. On other transcripts: non-coding transcript variant (1), intron variant (1), splice acceptor variant (1).
Genome position (GRCh38, 1-based): chr19:5,719,817, C>G on the plus strand (G>C on the coding strand, the complement: LONP1 is on the minus strand). VCF-style: chr19-5719817-C-G. GRCh37 (hg19) VCF-style: chr19-5719828-C-G.
Other names: c.-160+402G>C (NM_001276480.1); c.125-1G>C (NM_001276479.2); short protein forms G106R.
Identifiers: ClinVar variation 2786796 (VCV002786796.3), dbSNP rs2512442046, ClinGen allele CA403543597.

ClinVar aggregate classification (germline): Uncertain significance (1 of 4 stars; one submission).

Allele frequency attached by ClinVar (database versions not stated): gnomAD exomes below 0.00001.
gnomAD v4.1: 3 of 1,611,294 alleles (0.00019%); highest among the groups gnomAD compares: Admixed American, 0.0017%; no homozygotes.

Submission:

Labcorp Genetics (formerly Invitae), Labcorp
Classification: Uncertain significance. Last evaluated: 2024-01-28. Review status: criteria provided, single submitter. Criteria: Invitae Variant Classification Sherloc (09022015). Collection method: clinical testing. Allele origin: germline.
Comment: This sequence change replaces glycine, which is neutral and non-polar, with arginine, which is basic and polar, at codon 106 of the LONP1 protein (p.Gly106Arg). This variant is not present in population databases (gnomAD no frequency). This variant has not been reported in the literature in individuals affected with LONP1-related conditions. An algorithm developed to predict the effect of missense changes on protein structure and function (PolyPhen-2) suggests that this variant is likely to be tolerated. In summary, the available evidence is currently insufficient to determine the role of this variant in disease. Therefore, it has been classified as a Variant of Uncertain Significance.